The following is an entry in ClinVar:

NM_001267550.2(TTN):c.25006T>C (p.Cys8336Arg)

Gene: TTN (titin; minus strand). Cytogenetic location: 2q31.2.
Variant type: single nucleotide variant.
Coding change: c.25006T>C on transcript NM_001267550.2 (MANE Select); coding-DNA position 25006, T replaced by C.
Protein change: p.Cys8336Arg; replaces cysteine 8336 with arginine.
Molecular consequence: missense variant. On other transcripts: intron variant (3).
Genome position (GRCh38, 1-based): chr2:178,718,000, A>G on the plus strand (T>C on the coding strand, the complement: TTN is on the minus strand). VCF-style: chr2-178718000-A-G. GRCh37 (hg19) VCF-style: chr2-179582727-A-G.
Other names: c.24055T>C, p.Cys8019Arg (NM_001256850.1); c.21274T>C, p.Cys7092Arg (NM_133378.4); c.13282+20082T>C (NM_003319.4); c.13858+20082T>C (NM_133437.4); c.13657+20082T>C (NM_133432.3); short protein forms C7092R, C8019R, C8336R.
Identifiers: ClinVar variation 1334894 (VCV001334894.7), dbSNP rs2154299294, ClinGen allele CA349490871.
Genomic context (GRCh38, chr2:178,718,000, plus strand): 5'-CACCTTTGATAACAAGCACAGCTGAAGAAGCGACTGCCCCCACACTGTTGTCTGCCTTGC[A>G]TGAATACTCTCCCACATCACTGTGATCCACTTTGTTGATTACTAAGGAAGCAACGTTATT-3'
Protein context (NP_001254479.2, residues 8326-8346): VDHSDVGEYS[Cys8336Arg]KADNSVGAVA

ClinVar aggregate classification (germline): Uncertain significance/VUS-high. Review status: criteria provided, multiple submitters, no conflicts (2 of 4 stars). 3 submissions from 3 submitters: Uncertain significance (2); VUS-high (1). Last evaluated 2026-02-06.

Conditions:
Autosomal recessive titinopathy. Identifiers: MedGen CN315649, MONDO:0100493.
Autosomal recessive limb-girdle muscular dystrophy type 2J (LGMDR10). Also called: Limb-girdle muscular dystrophy, type 2J; MUSCULAR DYSTROPHY, LIMB-GIRDLE, AUTOSOMAL RECESSIVE 10. Identifiers: Orphanet 140922, MedGen C1837342, MONDO:0012127, OMIM 608807.
Early-onset myopathy with fatal cardiomyopathy (CMYO5). Also called: CONGENITAL MYOPATHY 5 WITH CARDIOMYOPATHY; Salih Myopathy. Identifiers: Orphanet 289377, MedGen C2673677, MONDO:0012714, OMIM 611705. Disease mechanism: loss of function.
Dilated cardiomyopathy 1G (CMD1G). Identifiers: Orphanet 154, MedGen C1858763, MONDO:0011400, OMIM 604145.

Submissions (3):

Myofin, Folkhalsan Research Center
Classification: VUS-high for Autosomal recessive titinopathy. Last evaluated: 2026-02-06. Review status: criteria provided, single submitter. Criteria: ACMG Guidelines, 2015. Collection method: research. Allele origin: germline. Affected: yes.
Comment: The variant is rare in population databases (absent in gnomAD; no homozygotes reported) and has a high deleterious computational prediction (AlphaMissense 0.9970). Given limited case-level evidence and lack of robust variant-level functional/replication data, we classify this variant as Uncertain significance (VUS-high) for recessive titinopathy.

Labcorp Genetics (formerly Invitae), Labcorp
Classification: Uncertain significance for Dilated cardiomyopathy 1G; Autosomal recessive limb-girdle muscular dystrophy type 2J. Last evaluated: 2024-10-17. Review status: criteria provided, single submitter. Criteria: Invitae Variant Classification Sherloc (09022015). Collection method: clinical testing. Allele origin: germline.
Comment: This sequence change replaces cysteine, which is neutral and slightly polar, with arginine, which is basic and polar, at codon 8336 of the TTN protein (p.Cys8336Arg). This variant is not present in population databases (gnomAD no frequency). This missense change has been observed in individual(s) with clinical features of autosomal recessive TTN-related conditions (PMID: 30107846; internal data). In at least one individual the data is consistent with being in trans (on the opposite chromosome) from a pathogenic variant. ClinVar contains an entry for this variant (Variation ID: 1334894). Experimental studies and prediction algorithms are not available or were not evaluated, and the functional significance of this variant is currently unknown. This variant is located in the I band of TTN (PMID: 25589632). Non-truncating variants in this region may be clinically relevant, but have not been definitively shown to cause cardiomyopathy or neuromuscular disease (PMID: 27493940, 32778822). In summary, the available evidence is currently insufficient to determine the role of this variant in disease. Therefore, it has been classified as a Variant of Uncertain Significance.

Suma Genomics
Classification: Uncertain significance for Autosomal recessive limb-girdle muscular dystrophy type 2J; Early-onset myopathy with fatal cardiomyopathy. Review status: criteria provided, single submitter. Criteria: ACMG Guidelines, 2015. Collection method: clinical testing. Allele origin: unknown. Inheritance: Autosomal recessive inheritance. Affected: yes.

Literature cited by the submitters: DOI 10.1101/2025.07.17.25331115 (cited by Myofin, Folkhalsan Research Center); PubMed 30107846 (cited by Labcorp Genetics (formerly Invitae), Labcorp); PubMed 25589632 (cited by Labcorp Genetics (formerly Invitae), Labcorp); PubMed 27493940 (cited by Labcorp Genetics (formerly Invitae), Labcorp); PubMed 32778822 (cited by Labcorp Genetics (formerly Invitae), Labcorp).